The following is an entry in ClinVar:

ClinVar aggregate classification (germline): Uncertain significance (1 of 4 stars; one submission).

Conditions:
Hereditary cancer-predisposing syndrome. Also called: Hereditary Cancer Syndrome; Neoplastic Syndromes, Hereditary; Tumor predisposition; Hereditary neoplastic syndrome. Identifiers: Orphanet 140162, MedGen C0027672, MeSH D009386, MONDO:0015356.

Submission:

Ambry Genetics
Classification: Uncertain significance for Hereditary cancer-predisposing syndrome. Last evaluated: 2026-08-27. Review status: criteria provided, single submitter. Criteria: Ambry Variant Classification Scheme 2023. Collection method: clinical testing. Allele origin: germline.
Comment: The p.N1353I variant (also known as c.4058A>T), located in coding exon 21 of the DICER1 gene, results from an A to T substitution at nucleotide position 4058. The asparagine at codon 1353 is replaced by isoleucine, an amino acid with dissimilar properties. This amino acid position is conserved. In addition, this alteration is predicted to be deleterious by in silico analysis. Based on the available evidence, the clinical significance of this variant remains unclear.

NM_177438.3(DICER1):c.4058A>T (p.Asn1353Ile)

Gene: DICER1 (dicer 1, ribonuclease III; minus strand). Cytogenetic location: 14q32.13.
Variant type: single nucleotide variant.
Coding change: c.4058A>T on transcript NM_177438.3 (MANE Select); coding-DNA position 4058, A replaced by T.
Protein change: p.Asn1353Ile; replaces asparagine 1353 with isoleucine.
Molecular consequence: missense variant. On other transcripts: non-coding transcript variant (6).
Genome position (GRCh38, 1-based): chr14:95,099,928, T>A on the plus strand (A>T on the coding strand, the complement: DICER1 is on the minus strand). VCF-style: chr14-95099928-T-A. GRCh37 (hg19) VCF-style: chr14-95566265-T-A.
Other names: c.3776A>T, p.Asn1259Ile (NM_001395686.1); c.3653A>T, p.Asn1218Ile (NM_001395687.1, NM_001395688.1, NM_001395689.1 and 2 more transcripts); c.4058A>T, p.Asn1353Ile (NM_001195573.1, NM_001271282.3, NM_001291628.2 and 12 more transcripts); c.3491A>T, p.Asn1164Ile (NM_001395691.1); c.2375A>T, p.Asn792Ile (NM_001395697.1); short protein forms N1164I, N1353I, N1218I, N792I, N1259I.
Identifiers: ClinVar variation 5035326 (VCV005035326.1).